The following is an entry in ClinVar:

ClinVar aggregate classification (germline): Uncertain significance. Review status: criteria provided, single submitter (1 of 4 stars). 2 submissions from 2 submitters: Uncertain significance (1). 1 of the submissions does not count toward it. Last evaluated 2018-06-07.

Conditions:
VIPAS39-related disorder. Also called: VIPAS39-related condition.

Allele frequency attached by ClinVar (database versions not stated): gnomAD exomes below 0.00001 and 0.00001; gnomAD 0.00002.
gnomAD v4.1: 11 of 1,613,796 alleles (0.00068%); highest among the groups gnomAD compares: East Asian, 0.0022%; no homozygotes.

Submissions (2):

Eurofins Ntd Llc (ga)
Classification: Uncertain significance. Last evaluated: 2018-06-07. Review status: criteria provided, single submitter. Criteria: EGL ClinVar v180209 classification definitions. Collection method: clinical testing. Allele origin: germline. Observed: 2 variant alleles, 2 heterozygotes.

PreventionGenetics, part of Exact Sciences
Classification: Likely benign for VIPAS39-related condition. Last evaluated: 2024-04-26. Review status: no assertion criteria provided. Collection method: clinical testing. Allele origin: germline. Not counted in ClinVar's aggregate classification.
Comment: This variant is classified as likely benign based on ACMG/AMP sequence variant interpretation guidelines (Richards et al. 2015 PMID: 25741868, with internal and published modifications).

NM_001193315.2(VIPAS39):c.1164C>T (p.Ala388=)

Gene: VIPAS39 (VPS33B interacting protein, apical-basolateral polarity regulator, spe-39 homolog; minus strand). Cytogenetic location: 14q24.3.
Variant type: single nucleotide variant.
Coding change: c.1164C>T on transcript NM_001193315.2 (MANE Select); coding-DNA position 1164, C replaced by T.
Protein change: p.Ala388=; no amino-acid change (alanine 388 retained).
Molecular consequence: synonymous variant.
Genome position (GRCh38, 1-based): chr14:77,433,857, G>A on the plus strand (C>T on the coding strand, the complement: VIPAS39 is on the minus strand). VCF-style: chr14-77433857-G-A. GRCh37 (hg19) VCF-style: chr14-77900200-G-A.
Other names: c.1164C>T, p.Ala388= (NM_001193314.2, NM_001193317.2, NM_022067.4); c.1017C>T, p.Ala339= (NM_001193316.2); c.1164C>T (NM_022067.3).
Identifiers: ClinVar variation 288345 (VCV000288345.6), dbSNP rs886043868, ClinGen allele CA10606054.